The following is an entry in ClinVar:

NM_012293.3(PXDN):c.2793C>T (p.Ser931=)

Gene: PXDN (peroxidasin; minus strand). Cytogenetic location: 2p25.3.
Variant type: single nucleotide variant.
Coding change: c.2793C>T on transcript NM_012293.3 (MANE Select); coding-DNA position 2793, C replaced by T.
Protein change: p.Ser931=; no amino-acid change (serine 931 retained).
Molecular consequence: synonymous variant.
Genome position (GRCh38, 1-based): chr2:1,648,987, G>A on the plus strand (C>T on the coding strand, the complement: PXDN is on the minus strand). VCF-style: chr2-1648987-G-A. GRCh37 (hg19) VCF-style: chr2-1652759-G-A.
Identifiers: ClinVar variation 3043037 (VCV003043037.2), dbSNP rs1682933811, ClinGen allele CA424757644.

ClinVar aggregate classification (germline): Likely benign (0 of 4 stars; one submission).

Conditions:
PXDN-related disorder. Also called: PXDN-related condition.

Allele frequency attached by ClinVar (database versions not stated): gnomAD exomes below 0.00001; TOPMed below 0.00001.
gnomAD v4.1: 4 of 1,611,012 alleles (0.00025%); highest among the groups gnomAD compares: Middle Eastern, 0.017%; no homozygotes.

Submission:

PreventionGenetics, part of Exact Sciences
Classification: Likely benign for PXDN-related condition. Last evaluated: 2019-06-21. Review status: no assertion criteria provided. Collection method: clinical testing. Allele origin: germline.
Comment: This variant is classified as likely benign based on ACMG/AMP sequence variant interpretation guidelines (Richards et al. 2015 PMID: 25741868, with internal and published modifications).